The following is an entry in ClinVar:

ClinVar aggregate classification (germline): Uncertain significance (1 of 4 stars; one submission).

Allele frequency attached by ClinVar (database versions not stated): ExAC 0.00001; gnomAD exomes 0.00001.

Submission:

Labcorp Genetics (formerly Invitae), Labcorp
Classification: Uncertain significance. Last evaluated: 2022-11-26. Review status: criteria provided, single submitter. Criteria: Invitae Variant Classification Sherloc (09022015). Collection method: clinical testing. Allele origin: germline.
Comment: This sequence change replaces methionine, which is neutral and non-polar, with valine, which is neutral and non-polar, at codon 1125 of the NEXMIF protein (p.Met1125Val). This variant is not present in population databases (gnomAD no frequency). This variant has not been reported in the literature in individuals affected with NEXMIF-related conditions. Algorithms developed to predict the effect of missense changes on protein structure and function output the following: SIFT: "Tolerated"; PolyPhen-2: "Benign"; Align-GVGD: "Class C0". The valine amino acid residue is found in multiple mammalian species, which suggests that this missense change does not adversely affect protein function. In summary, the available evidence is currently insufficient to determine the role of this variant in disease. Therefore, it has been classified as a Variant of Uncertain Significance.

NM_001008537.3(NEXMIF):c.3373A>G (p.Met1125Val)

Gene: NEXMIF (neurite extension and migration factor; minus strand). Cytogenetic location: Xq13.3.
Variant type: single nucleotide variant.
Coding change: c.3373A>G on transcript NM_001008537.3 (MANE Select); coding-DNA position 3373, A replaced by G.
Protein change: p.Met1125Val; replaces methionine 1125 with valine.
Molecular consequence: missense variant.
Genome position (GRCh38, 1-based): chrX:74,741,184, T>C on the plus strand (A>G on the coding strand, the complement: NEXMIF is on the minus strand). VCF-style: chrX-74741184-T-C. GRCh37 (hg19) VCF-style: chrX-73961019-T-C.
Other names: short protein forms M1125V.
Identifiers: ClinVar variation 2415054 (VCV002415054.6), dbSNP rs775987636, ClinGen allele CA10454951.